The following is an entry in ClinVar:

ClinVar aggregate classification (germline): Likely benign (1 of 4 stars; one submission).

Allele frequency attached by ClinVar (database versions not stated): gnomAD 0.00001; TOPMed 0.00001; ExAC 0.00004.
gnomAD v4.1: 23 of 1,613,974 alleles (0.0014%); highest among the groups gnomAD compares: East Asian, 0.0089%; no homozygotes.

Submission:

CeGaT Center for Human Genetics Tuebingen
Classification: Likely benign. Last evaluated: 2022-04-01. Review status: criteria provided, single submitter. Criteria: CeGaT Center For Human Genetics Tuebingen Variant Classification Criteria Version 2. Collection method: clinical testing. Allele origin: germline. Affected: yes. Observed: 1 variant allele.
Comment: MTUS1: BP4, BP7

NM_001363059.2(MTUS1):c.1881C>T (p.Thr627=)

Gene: MTUS1 (microtubule associated scaffold protein 1; minus strand). Cytogenetic location: 8p22.
Variant type: single nucleotide variant.
Coding change: c.1881C>T on transcript NM_001363059.2 (MANE Select); coding-DNA position 1881, C replaced by T.
Protein change: p.Thr627=; no amino-acid change (threonine 627 retained).
Molecular consequence: synonymous variant. On other transcripts: non-coding transcript variant (1).
Genome position (GRCh38, 1-based): chr8:17,753,927, G>A on the plus strand (C>T on the coding strand, the complement: MTUS1 is on the minus strand). VCF-style: chr8-17753927-G-A. GRCh37 (hg19) VCF-style: chr8-17611436-G-A.
Other names: c.1881C>T, p.Thr627= (NM_001001924.3, NM_001001925.3, NM_001363057.2 and 4 more transcripts).
Identifiers: ClinVar variation 2658447 (VCV002658447.24), dbSNP rs781505431, ClinGen allele CA4647017.
Genomic context (GRCh38, chr8:17,753,927, plus strand): 5'-ACTTTCCATTTTAACAGGGAGTATGCCTTTGATCTTCTGAAACAACGCAGAAACGGACCC[G>A]GTCTCGCATGCTGAGTTAGAAGAACTGGCTTTGTCAACATCTTCCTGATTCGATTTCACG-3'
Protein context (NP_001349988.1, residues 617-637): KASSSNSACE[Thr627=]GSVSALFQKI